The following is an entry in ClinVar:

NM_006231.4(POLE):c.3583-5T>C

Gene: POLE (DNA polymerase epsilon, catalytic subunit; minus strand). Cytogenetic location: 12q24.33.
Variant type: single nucleotide variant.
Coding change: c.3583-5T>C on transcript NM_006231.4 (MANE Select); 5 bases into the intron before coding-DNA position 3583, T replaced by C.
Molecular consequence: intron variant.
Genome position (GRCh38, 1-based): chr12:132,649,894, A>G on the plus strand (T>C on the coding strand, the complement: POLE is on the minus strand). VCF-style: chr12-132649894-A-G. GRCh37 (hg19) VCF-style: chr12-133226480-A-G.
Identifiers: ClinVar variation 1063866 (VCV001063866.9), dbSNP rs2138615931, ClinGen allele CA2499221521.

ClinVar aggregate classification (germline): Conflicting classifications of pathogenicity. Review status: criteria provided, conflicting classifications (1 of 4 stars). 2 submissions from 2 submitters: Uncertain significance (1); Likely benign (1). Last evaluated 2024-09-16.

Conditions:
Hereditary cancer-predisposing syndrome. Also called: Hereditary Cancer Syndrome; Hereditary neoplastic syndrome; Neoplastic Syndromes, Hereditary; Tumor predisposition. Identifiers: Orphanet 140162, MedGen C0027672, MeSH D009386, MONDO:0015356.

Submissions (2):

Labcorp Genetics (formerly Invitae), Labcorp
Classification: Likely benign. Last evaluated: 2024-09-16. Review status: criteria provided, single submitter. Criteria: Invitae Variant Classification Sherloc (09022015). Collection method: clinical testing. Allele origin: germline.

Ambry Genetics
Classification: Uncertain significance for Hereditary cancer-predisposing syndrome. Last evaluated: 2019-11-13. Review status: criteria provided, single submitter. Criteria: Ambry Variant Classification Scheme 2023. Collection method: clinical testing. Allele origin: germline.
Comment: The c.3583-5T>C intronic variant results from a T to C substitution 5 nucleotides upstream from coding exon 30 in the POLE gene. This nucleotide position is not well conserved in available vertebrate species. Using the BDGP and ESEfinder splice site prediction tools, this alteration is predicted to slightly weaken the efficiency of the native splice acceptor site; however, direct evidence is unavailable. Since supporting evidence is limited at this time, the clinical significance of this alteration remains unclear.